The following is an entry in ClinVar:

ClinVar aggregate classification (germline): Uncertain significance (1 of 4 stars; one submission).

gnomAD v4.1: 2 of 1,211,549 alleles (0.00017%); highest among the groups gnomAD compares: Non-Finnish European, 0.00022%; no homozygotes.

Submission:

CeGaT Center for Human Genetics Tuebingen
Classification: Uncertain significance. Last evaluated: 2025-05-01. Review status: criteria provided, single submitter. Criteria: CeGaT Center For Human Genetics Tuebingen Variant Classification Criteria Version 2. Collection method: clinical testing. Allele origin: germline. Affected: yes. Observed: 1 variant allele.
Comment: PHKA2: PP3

NM_000292.3(PHKA2):c.2774C>G (p.Ala925Gly)

Gene: PHKA2 (phosphorylase kinase regulatory subunit alpha 2; minus strand). Cytogenetic location: Xp22.13.
Variant type: single nucleotide variant.
Coding change: c.2774C>G on transcript NM_000292.3 (MANE Select); coding-DNA position 2774, C replaced by G.
Protein change: p.Ala925Gly; replaces alanine 925 with glycine.
Molecular consequence: missense variant.
Genome position (GRCh38, 1-based): chrX:18,906,527, G>C on the plus strand (C>G on the coding strand, the complement: PHKA2 is on the minus strand). VCF-style: chrX-18906527-G-C. GRCh37 (hg19) VCF-style: chrX-18924645-G-C.
Other names: short protein forms A925G.
Identifiers: ClinVar variation 3905920 (VCV003905920.10).
Genomic context (GRCh38, chrX:18,906,527, plus strand): 5'-GGAGCTGCAGGAGCTGCGGGCATCTCACCTGAGCAGTTCAGGCTCCGTGCCAGCTCCGTG[G>C]CCATCACCTGAATGATCAGTCCAATCCGGAGTCTCAGCATCTCCACAAAGAGGCTGGGCT-3'
Protein context (NP_000283.1, residues 915-935): LRIGLIIQVM[Ala925Gly]TELARSLNCS